The following is an entry in ClinVar:

ClinVar aggregate classification (germline): Uncertain significance (1 of 4 stars; one submission).

Allele frequency attached by ClinVar (database versions not stated): gnomAD exomes below 0.00001; gnomAD 0.00001; TOPMed 0.00001.
gnomAD v4.1: 2 of 1,595,676 alleles (0.00013%); highest among the groups gnomAD compares: Non-Finnish European, 0.00017%; no homozygotes.

Submission:

Labcorp Genetics (formerly Invitae), Labcorp
Classification: Uncertain significance. Last evaluated: 2022-03-01. Review status: criteria provided, single submitter. Criteria: Invitae Variant Classification Sherloc (09022015). Collection method: clinical testing. Allele origin: germline.
Comment: In summary, the available evidence is currently insufficient to determine the role of this variant in disease. Therefore, it has been classified as a Variant of Uncertain Significance. Variants that disrupt the consensus splice site are a relatively common cause of aberrant splicing (PMID: 17576681, 9536098). Algorithms developed to predict the effect of sequence changes on RNA splicing suggest that this variant may create or strengthen a splice site. This variant has not been reported in the literature in individuals affected with ADGRV1-related conditions. This variant is not present in population databases (gnomAD no frequency). This sequence change falls in intron 39 of the ADGRV1 gene. It does not directly change the encoded amino acid sequence of the ADGRV1 protein. It affects a nucleotide within the consensus splice site.

Literature cited by the submitters: PubMed 17576681; PubMed 9536098.

NM_032119.4(ADGRV1):c.8824+3A>G

Gene: ADGRV1 (adhesion G protein-coupled receptor V1; plus strand). Cytogenetic location: 5q14.3.
Variant type: single nucleotide variant.
Coding change: c.8824+3A>G on transcript NM_032119.4 (MANE Select); 3 bases into the intron after coding-DNA position 8824, A replaced by G.
Molecular consequence: intron variant.
Genome position (GRCh38, 1-based): chr5:90,708,912, A>G. VCF-style: chr5-90708912-A-G. GRCh37 (hg19) VCF-style: chr5-90004729-A-G.
Identifiers: ClinVar variation 2105281 (VCV002105281.3), dbSNP rs1025893597, ClinGen allele CA122804007.